The following is an entry in ClinVar:

ClinVar aggregate classification (germline): Uncertain significance. Review status: criteria provided, multiple submitters, no conflicts (2 of 4 stars). 2 submissions from 2 submitters: Uncertain significance (2). Last evaluated 2025-04-14.

Conditions:
OTOGL-related disorder. Also called: OTOGL-related condition.
Inborn genetic diseases. Identifiers: MedGen C0950123, MeSH D030342.

gnomAD v4.1: 17 of 1,460,956 alleles (0.0012%); highest among the groups gnomAD compares: Non-Finnish European, 0.0014%; no homozygotes.

Submissions (2):

Ambry Genetics
Classification: Uncertain significance for Inborn genetic diseases. Last evaluated: 2025-04-14. Review status: criteria provided, single submitter. Criteria: Ambry Variant Classification Scheme 2023. Collection method: clinical testing. Allele origin: germline.

PreventionGenetics, part of Exact Sciences
Classification: Uncertain significance for OTOGL-related condition. Last evaluated: 2025-03-27. Review status: criteria provided, single submitter. Criteria: ACMG Guidelines, 2015. Collection method: clinical testing. Allele origin: germline.
Comment: The OTOGL c.3677C>G variant is predicted to result in the amino acid substitution p.Thr1226Ser. To our knowledge, this variant has not been reported in the literature or in a large population database (gnomAD), indicating this variant is rare. At this time, the clinical significance of this variant is uncertain due to the absence of conclusive functional and genetic evidence.

NM_001378609.3(OTOGL):c.3704C>G (p.Thr1235Ser)

Gene: OTOGL (otogelin like; plus strand). Cytogenetic location: 12q21.31.
Variant type: single nucleotide variant.
Coding change: c.3704C>G on transcript NM_001378609.3 (MANE Select); coding-DNA position 3704, C replaced by G.
Protein change: p.Thr1235Ser; replaces threonine 1235 with serine.
Molecular consequence: missense variant.
Genome position (GRCh38, 1-based): chr12:80,318,615, C>G. VCF-style: chr12-80318615-C-G. GRCh37 (hg19) VCF-style: chr12-80712395-C-G.
Other names: c.3569C>G, p.Thr1190Ser (NM_001368062.3); c.3704C>G, p.Thr1235Ser (NM_001378610.3, NM_173591.7); short protein forms T1190S, T1235S.
Identifiers: ClinVar variation 3926730 (VCV003926730.2).
Genomic context (GRCh38, chr12:80,318,615, plus strand): 5'-AAGGACCATATATGCTGGCAAGCTATGGGCAGAGTGGCCTTGTTCTGGGGGCCAATATGA[C>G]CAGCAGAAGCGTTTTCTGTTTGCCGAGAAGCAGTGTTCATACCAGTTTATTTTTTTATTT-3'
Protein context (NP_001365538.2, residues 1225-1245): QSGLVLGANM[Thr1235Ser]SRSVFCLPRS